The following is an entry in ClinVar:

ClinVar aggregate classification (germline): Uncertain significance (1 of 4 stars; one submission).

Submission:

Labcorp Genetics (formerly Invitae), Labcorp
Classification: Uncertain significance. Last evaluated: 2022-07-29. Review status: criteria provided, single submitter. Criteria: Invitae Variant Classification Sherloc (09022015). Collection method: clinical testing. Allele origin: germline.
Comment: In summary, the available evidence is currently insufficient to determine the role of this variant in disease. Therefore, it has been classified as a Variant of Uncertain Significance. Algorithms developed to predict the effect of sequence changes on RNA splicing suggest that this variant is not likely to affect RNA splicing. This variant has not been reported in the literature in individuals affected with CEP135-related conditions. This variant is not present in population databases (gnomAD no frequency). This sequence change affects codon 157 of the CEP135 mRNA. It is a 'silent' change, meaning that it does not change the encoded amino acid sequence of the CEP135 protein. It affects a nucleotide within the consensus splice site.

NM_025009.5(CEP135):c.471A>G (p.Pro157=)

Gene: CEP135 (centrosomal protein 135; plus strand). Cytogenetic location: 4q12.
Variant type: single nucleotide variant.
Coding change: c.471A>G on transcript NM_025009.5 (MANE Select); coding-DNA position 471, A replaced by G.
Protein change: p.Pro157=; no amino-acid change (proline 157 retained).
Molecular consequence: synonymous variant.
Genome position (GRCh38, 1-based): chr4:55,954,382, A>G. VCF-style: chr4-55954382-A-G. GRCh37 (hg19) VCF-style: chr4-56820548-A-G.
Identifiers: ClinVar variation 1942910 (VCV001942910.5), dbSNP rs1169807575, ClinGen allele CA439491601.